The following is an entry in ClinVar:

ClinVar aggregate classification (germline): Uncertain significance. Review status: criteria provided, multiple submitters, no conflicts (2 of 4 stars). 3 submissions from 3 submitters: Uncertain significance (3). Last evaluated 2024-08-16.

Conditions:
Lynch syndrome. Identifiers: Orphanet 144, MedGen C4552100, MONDO:0005835. Disease mechanism: loss of function.
Hereditary nonpolyposis colorectal neoplasms. Identifiers: MedGen C0009405, MeSH D003123.
Hereditary cancer-predisposing syndrome. Also called: Hereditary Cancer Syndrome; Hereditary neoplastic syndrome; Neoplastic Syndromes, Hereditary; Tumor predisposition. Identifiers: Orphanet 140162, MedGen C0027672, MeSH D009386, MONDO:0015356.

Allele frequency attached by ClinVar (database versions not stated): gnomAD exomes below 0.00001.
gnomAD v4.1: 1 of 1,612,634 alleles (0.000062%); highest among the groups gnomAD compares: Non-Finnish European, 0.000085%; no homozygotes.

Submissions (3):

Hema, HEMA – Genetic and Molecular Diagnostic Laboratory
Classification: Uncertain significance for Lynch syndrome. Last evaluated: 2024-08-16. Review status: criteria provided, single submitter. Criteria: HEMA Variant Classification Assertion Criteria. Collection method: clinical testing. Allele origin: germline.
Comment: NM_000179.3(MSH6):c.3125A>C (p.Lys1042Thr) is a transversion from adenine to cytosine, resulting in the substitution of lysine 1042 with threonine in the MSH6 protein. PM2_Supporting: Present at very low frequency in gnomAD. BP4: Prior probability of pathogenicity score MAPP/PP2 = 0.05 < 0.11.

Labcorp Genetics (formerly Invitae), Labcorp
Classification: Uncertain significance for Hereditary nonpolyposis colorectal neoplasms. Last evaluated: 2022-04-22. Review status: criteria provided, single submitter. Criteria: Invitae Variant Classification Sherloc (09022015). Collection method: clinical testing. Allele origin: germline.
Comment: This sequence change replaces lysine, which is basic and polar, with threonine, which is neutral and polar, at codon 1042 of the MSH6 protein (p.Lys1042Thr). In summary, the available evidence is currently insufficient to determine the role of this variant in disease. Therefore, it has been classified as a Variant of Uncertain Significance. Advanced modeling of protein sequence and biophysical properties (such as structural, functional, and spatial information, amino acid conservation, physicochemical variation, residue mobility, and thermodynamic stability) performed at Invitae indicates that this missense variant is not expected to disrupt MSH6 protein function. This variant has not been reported in the literature in individuals affected with MSH6-related conditions. This variant is not present in population databases (gnomAD no frequency).

Ambry Genetics
Classification: Uncertain significance for Hereditary cancer-predisposing syndrome. Last evaluated: 2022-03-25. Review status: criteria provided, single submitter. Criteria: Ambry Variant Classification Scheme 2023. Collection method: clinical testing. Allele origin: germline.
Comment: The p.K1042T variant (also known as c.3125A>C), located in coding exon 4 of the MSH6 gene, results from an A to C substitution at nucleotide position 3125. The lysine at codon 1042 is replaced by threonine, an amino acid with similar properties. This amino acid position is well conserved in available vertebrate species. In addition, the in silico prediction for this alteration is inconclusive. Since supporting evidence is limited at this time, the clinical significance of this alteration remains unclear.

NM_000179.3(MSH6):c.3125A>C (p.Lys1042Thr)

Gene: MSH6 (mutS homolog 6; plus strand). Cytogenetic location: 2p16.3.
Variant type: single nucleotide variant.
Coding change: c.3125A>C on transcript NM_000179.3 (MANE Select); coding-DNA position 3125, A replaced by C.
Protein change: p.Lys1042Thr; replaces lysine 1042 with threonine.
Molecular consequence: missense variant.
Genome position (GRCh38, 1-based): chr2:47,801,108, A>C. VCF-style: chr2-47801108-A-C. GRCh37 (hg19) VCF-style: chr2-48028247-A-C.
Other names: c.2735A>C, p.Lys912Thr (NM_001281492.2); c.2219A>C, p.Lys740Thr (NM_001281493.2, NM_001281494.2); short protein forms K740T, K1042T, K912T.
Identifiers: ClinVar variation 1364131 (VCV001364131.11), dbSNP rs2104441513, ClinGen allele CA346756648.
Genomic context (GRCh38, chr2:47,801,108, plus strand): 5'-AAGAACGGAGGGATGTATCATTGAAGGACTGCATGCGGCGACTGTTCTATAACTTTGATA[A>C]AAATTACAAGGACTGGCAGTCTGCTGTAGAGTGTATCGCAGTGTTGGGTAAGACTTTGAA-3'
Protein context (NP_000170.1, residues 1032-1052): CMRRLFYNFD[Lys1042Thr]NYKDWQSAVE